The following is an entry in ClinVar:

NM_014049.5(ACAD9):c.1683C>T (p.His561=)

Genes: ACAD9 (acyl-CoA dehydrogenase family member 9; plus strand), CFAP92 (cilia and flagella associated protein 92 (putative); minus strand). Cytogenetic location: 3q21.3.
Variant type: single nucleotide variant.
Coding change: c.1683C>T on transcript NM_014049.5 (MANE Select); coding-DNA position 1683, C replaced by T.
Protein change: p.His561=; no amino-acid change (histidine 561 retained).
Molecular consequence: synonymous variant. On other transcripts: non-coding transcript variant (1), 3 prime UTR variant (3).
Genome position (GRCh38, 1-based): chr3:128,910,140, C>T. VCF-style: chr3-128910140-C-T. GRCh37 (hg19) VCF-style: chr3-128628983-C-T.
Other names: p.H561H:CAC>CAT; p.His561=; c.1314C>T, p.His438= (NM_001410805.1); c.*159G>A (NM_001348520.2, NM_001348521.2, NM_001394090.1).
Identifiers: ClinVar variation 136256 (VCV000136256.16), dbSNP rs141647117, ClinGen allele CA289247.

ClinVar aggregate classification (germline): Benign/Likely benign. Review status: criteria provided, multiple submitters, no conflicts (2 of 4 stars). 6 submissions from 6 submitters: Benign (4); Likely benign (1). 1 of the submissions does not count toward it. Last evaluated 2026-02-02.

Conditions:
Acyl-CoA dehydrogenase 9 deficiency. Also called: MITOCHONDRIAL COMPLEX I DEFICIENCY, NUCLEAR TYPE 20; Acyl-CoA dehydrogenase family, member 9, deficiency of. Identifiers: Orphanet 99901, MedGen C4747517, MONDO:0012624, OMIM 611126.

Allele frequency attached by ClinVar (database versions not stated): gnomAD exomes 0.00048 and 0.00136; ExAC 0.00174; gnomAD 0.00500 and 0.00531; TOPMed 0.00516; ESP Exome Variant Server 0.00531; 1000 Genomes Project 30x 0.00562; 1000 Genomes Project 0.00599.
gnomAD v4.1: 1,484 of 1,614,066 alleles (0.092%); highest among the groups gnomAD compares: African/African-American, 1.7%; 13 homozygotes.

Submissions (6):

Labcorp Genetics (formerly Invitae), Labcorp
Classification: Benign. Last evaluated: 2026-02-02. Review status: criteria provided, single submitter. Criteria: Invitae Variant Classification Sherloc (09022015). Collection method: clinical testing. Allele origin: germline.

ARUP Laboratories, Molecular Genetics and Genomics, ARUP Laboratories
Classification: Benign for Acyl-CoA dehydrogenase 9 deficiency. Last evaluated: 2025-01-22. Review status: criteria provided, single submitter. Criteria: ARUP Molecular Germline Variant Investigation Process 2024. Collection method: clinical testing. Allele origin: germline.

Mayo Clinic Laboratories, Mayo Clinic
Classification: Benign. Last evaluated: 2025-01-14. Review status: criteria provided, single submitter. Criteria: ACMG Guidelines, 2015. Collection method: clinical testing. Allele origin: germline. Observed: 12 variant alleles.
Comment: BS1, BS2, BP4, BP7

Blueprint Genetics
Classification: Likely benign. Last evaluated: 2024-11-13. Review status: criteria provided, single submitter. Criteria: ACMG Guidelines, 2015. Collection method: clinical testing. Allele origin: germline.

GeneDx
Classification: Benign. Last evaluated: 2013-04-22. Review status: criteria provided, single submitter. Criteria: GeneDx Variant Classification (06012015). Collection method: clinical testing. Allele origin: germline. Affected: yes.
Comment: This variant is considered likely benign or benign based on one or more of the following criteria: it is a conservative change, it occurs at a poorly conserved position in the protein, it is predicted to be benign by multiple in silico algorithms, and/or has population frequency not consistent with disease.

Natera, Inc.
Classification: Benign for ACAD9 deficiency. Last evaluated: 2020-09-16. Review status: no assertion criteria provided. Collection method: clinical testing. Allele origin: germline. Not counted in ClinVar's aggregate classification.